The following is an entry in ClinVar:

NM_001286577.2(C2CD3):c.4744T>A (p.Ser1582Thr)

Gene: C2CD3 (C2 domain containing 3 centriole elongation regulator; minus strand). Cytogenetic location: 11q13.4.
Variant type: single nucleotide variant.
Coding change: c.4744T>A on transcript NM_001286577.2 (MANE Select); coding-DNA position 4744, T replaced by A.
Protein change: p.Ser1582Thr; replaces serine 1582 with threonine.
Molecular consequence: missense variant.
Genome position (GRCh38, 1-based): chr11:74,074,460, A>T on the plus strand (T>A on the coding strand, the complement: C2CD3 is on the minus strand). VCF-style: chr11-74074460-A-T. GRCh37 (hg19) VCF-style: chr11-73785505-A-T.
Other names: c.4744T>A, p.Ser1582Thr (NM_015531.6); short protein forms S1582T.
Identifiers: ClinVar variation 1921323 (VCV001921323.4), dbSNP rs1425333901, ClinGen allele CA381815364.
Genomic context (GRCh38, chr11:74,074,460, plus strand): 5'-AGGAGATGACTTCTGGTGGAGAGAGCTGGACCTCATCATTCCTTCTGGGGAGCTGCTCAG[A>T]CTCACTGTGGCTGCTGCAGTCCATGGAGTCCAGCTCATGAGTGGGCTCAAGGTGTGAGGA-3'
Protein context (NP_001273506.1, residues 1572-1592): DSMDCSSHSE[Ser1582Thr]EQLPRRNDEV

ClinVar aggregate classification (germline): Uncertain significance (1 of 4 stars; one submission).

gnomAD v4.1: 2 of 1,614,104 alleles (0.00012%); no homozygotes.

Submission:

Labcorp Genetics (formerly Invitae), Labcorp
Classification: Uncertain significance. Last evaluated: 2024-06-03. Review status: criteria provided, single submitter. Criteria: Invitae Variant Classification Sherloc (09022015). Collection method: clinical testing. Allele origin: germline.
Comment: This sequence change replaces serine, which is neutral and polar, with threonine, which is neutral and polar, at codon 1582 of the C2CD3 protein (p.Ser1582Thr). This variant is present in population databases (no rsID available, gnomAD 0.0009%). This variant has not been reported in the literature in individuals affected with C2CD3-related conditions. ClinVar contains an entry for this variant (Variation ID: 1921323). Advanced modeling of protein sequence and biophysical properties (such as structural, functional, and spatial information, amino acid conservation, physicochemical variation, residue mobility, and thermodynamic stability) performed at Invitae indicates that this missense variant is expected to disrupt C2CD3 protein function with a positive predictive value of 80%. In summary, the available evidence is currently insufficient to determine the role of this variant in disease. Therefore, it has been classified as a Variant of Uncertain Significance.